The following is an entry in ClinVar:

ClinVar aggregate classification (germline): Uncertain significance (1 of 4 stars; one submission).

Conditions:
Aortic aneurysm, familial thoracic 6 (AAT6). Also called: FAMILIAL THORACIC AORTIC ANEURYSM WITH LIVEDO RETICULARIS AND IRIS FLOCCULI. Identifiers: MedGen C2673186, MONDO:0012730, OMIM 611788.

Submission:

Labcorp Genetics (formerly Invitae), Labcorp
Classification: Uncertain significance for Aortic aneurysm, familial thoracic 6. Last evaluated: 2024-01-08. Review status: criteria provided, single submitter. Criteria: Invitae Variant Classification Sherloc (09022015). Collection method: clinical testing. Allele origin: germline.
Comment: This sequence change replaces leucine, which is neutral and non-polar, with isoleucine, which is neutral and non-polar, at codon 295 of the ACTA2 protein (p.Leu295Ile). This variant is not present in population databases (gnomAD no frequency). This variant has not been reported in the literature in individuals affected with ACTA2-related conditions. Advanced modeling of protein sequence and biophysical properties (such as structural, functional, and spatial information, amino acid conservation, physicochemical variation, residue mobility, and thermodynamic stability) performed at Invitae indicates that this missense variant is not expected to disrupt ACTA2 protein function with a negative predictive value of 80%. In summary, the available evidence is currently insufficient to determine the role of this variant in disease. Therefore, it has been classified as a Variant of Uncertain Significance.

NM_001613.4(ACTA2):c.883C>A (p.Leu295Ile)

Genes: ACTA2-AS1 (ACTA2 antisense RNA 1; plus strand), ACTA2 (actin alpha 2, smooth muscle; minus strand). Cytogenetic location: 10q23.31.
Variant type: single nucleotide variant.
Coding change: c.883C>A on transcript NM_001613.4 (MANE Select); coding-DNA position 883, C replaced by A.
Protein change: p.Leu295Ile; replaces leucine 295 with isoleucine.
Molecular consequence: missense variant.
Genome position (GRCh38, 1-based): chr10:88,938,168, G>T on the plus strand (C>A on the coding strand, the complement: ACTA2 is on the minus strand). VCF-style: chr10-88938168-G-T. GRCh37 (hg19) VCF-style: chr10-90697925-G-T.
Other names: c.883C>A, p.Leu295Ile (NM_001141945.3, NM_001320855.2, NM_001406462.1 and 2 more transcripts); c.772C>A, p.Leu258Ile (NM_001406466.1); c.754C>A, p.Leu252Ile (NM_001406467.1, NM_001406468.1, NM_001406469.1); c.691C>A, p.Leu231Ile (NM_001406471.1); short protein forms L231I, L258I, L252I, L295I.
Identifiers: ClinVar variation 2832896 (VCV002832896.3), dbSNP rs1845780334, ClinGen allele CA377510869.